The following is an entry in ClinVar:

ClinVar aggregate classification (germline): Uncertain significance. Review status: criteria provided, multiple submitters, no conflicts (2 of 4 stars). 2 submissions from 2 submitters: Uncertain significance (2). Last evaluated 2023-07-06.

Conditions:
Hereditary cancer-predisposing syndrome. Also called: Tumor predisposition; Hereditary neoplastic syndrome; Neoplastic Syndromes, Hereditary; Hereditary Cancer Syndrome. Identifiers: Orphanet 140162, MedGen C0027672, MeSH D009386, MONDO:0015356.
Breast-ovarian cancer, familial, susceptibility to, 4. Identifiers: Orphanet 145, MedGen C3280345, MONDO:0013669, OMIM 614291.

Submissions (2):

Ambry Genetics
Classification: Uncertain significance for Hereditary cancer-predisposing syndrome. Last evaluated: 2023-07-06. Review status: criteria provided, single submitter. Criteria: Ambry Variant Classification Scheme 2023. Collection method: clinical testing. Allele origin: germline.
Comment: The p.M120T variant (also known as c.359T>C), located in coding exon 5 of the RAD51D gene, results from a T to C substitution at nucleotide position 359. The methionine at codon 120 is replaced by threonine, an amino acid with similar properties. This amino acid position is conserved. In addition, the in silico prediction for this alteration is inconclusive. Since supporting evidence is limited at this time, the clinical significance of this alteration remains unclear.

Labcorp Genetics (formerly Invitae), Labcorp
Classification: Uncertain significance for Breast-ovarian cancer, familial, susceptibility to, 4. Last evaluated: 2021-06-14. Review status: criteria provided, single submitter. Criteria: Invitae Variant Classification Sherloc (09022015). Collection method: clinical testing. Allele origin: germline.
Comment: In summary, the available evidence is currently insufficient to determine the role of this variant in disease. Therefore, it has been classified as a Variant of Uncertain Significance. Algorithms developed to predict the effect of missense changes on protein structure and function (SIFT, PolyPhen-2, Align-GVGD) all suggest that this variant is likely to be tolerated, but these predictions have not been confirmed by published functional studies and their clinical significance is uncertain. This variant has not been reported in the literature in individuals with RAD51D-related conditions. This variant is not present in population databases (ExAC no frequency). This sequence change replaces methionine with threonine at codon 120 of the RAD51D protein (p.Met120Thr). The methionine residue is weakly conserved and there is a moderate physicochemical difference between methionine and threonine.

NM_002878.4(RAD51D):c.359T>C (p.Met120Thr)

Genes: RAD51L3-RFFL (RAD51L3-RFFL readthrough; minus strand), RAD51D (RAD51 paralog D; minus strand). Cytogenetic location: 17q12.
Variant type: single nucleotide variant.
Coding change: c.359T>C on transcript NM_002878.4 (MANE Select); coding-DNA position 359, T replaced by C.
Protein change: p.Met120Thr; replaces methionine 120 with threonine.
Molecular consequence: missense variant. On other transcripts: non-coding transcript variant (1), intron variant (1).
Genome position (GRCh38, 1-based): chr17:35,107,109, A>G on the plus strand (T>C on the coding strand, the complement: RAD51D is on the minus strand). VCF-style: chr17-35107109-A-G. GRCh37 (hg19) VCF-style: chr17-33434128-A-G.
Other names: c.419T>C, p.Met140Thr (NM_001142571.2); c.145-628T>C (NM_133629.3); c.359T>C (NM_002878.3); short protein forms M120T, M140T.
Identifiers: ClinVar variation 1494296 (VCV001494296.9), dbSNP rs876660691, ClinGen allele CA399089383.